The following is an entry in ClinVar:

ClinVar aggregate classification (germline): Uncertain significance. Review status: criteria provided, multiple submitters, no conflicts (2 of 4 stars). 2 submissions from 2 submitters: Uncertain significance (2). Last evaluated 2022-06-11.

Conditions:
Fanconi anemia (FA). Also called: Fanconi's anemia. Identifiers: Orphanet 84, MedGen C0015625, MeSH D005199, MONDO:0019391.

Allele frequency attached by ClinVar (database versions not stated): gnomAD 0.00001; gnomAD exomes 0.00001 and 0.00002; TOPMed 0.00004.

Submissions (2):

Labcorp Genetics (formerly Invitae), Labcorp
Classification: Uncertain significance for Fanconi anemia. Last evaluated: 2022-06-11. Review status: criteria provided, single submitter. Criteria: Invitae Variant Classification Sherloc (09022015). Collection method: clinical testing. Allele origin: germline.
Comment: This sequence change replaces threonine, which is neutral and polar, with isoleucine, which is neutral and non-polar, at codon 981 of the FANCD2 protein (p.Thr981Ile). This variant is present in population databases (no rsID available, gnomAD 0.03%). This variant has not been reported in the literature in individuals affected with FANCD2-related conditions. ClinVar contains an entry for this variant (Variation ID: 456354). Algorithms developed to predict the effect of missense changes on protein structure and function are either unavailable or do not agree on the potential impact of this missense change (SIFT: "Deleterious"; PolyPhen-2: "Benign"; Align-GVGD: "Class C0"). In summary, the available evidence is currently insufficient to determine the role of this variant in disease. Therefore, it has been classified as a Variant of Uncertain Significance.

Sema4
Classification: Uncertain significance for Fanconi anemia. Last evaluated: 2021-07-22. Review status: criteria provided, single submitter. Criteria: Sema4 Curation Guidelines. Collection method: curation. Allele origin: germline.
Comment: The FANCD2 c.2942C>T (p.T981I) variant has not been reported in the literature to our knowledge. It was observed in 6/19952 chromosomes in the East Asian subpopulation in the large and broad cohorts of the Genome Aggregation Database (PMID: 32461654). The variant has been reported in ClinVar (Variation ID: 456354). Functional studies have not been performed and in silico predictions of the variant's effect on protein function are inconclusive. The evidence is insufficient to meet ACMG/AMP criteria for classifying the variant as benign or pathogenic. Thus, the clinical significance of this variant is currently uncertain.

NM_001018115.3(FANCD2):c.2942C>T (p.Thr981Ile)

Genes: FANCD2 (FA complementation group D2; plus strand), LOC107303338 (3p25 FANCD2 Alu-mediated recombination region; plus strand). Cytogenetic location: 3p25.3.
Variant type: single nucleotide variant.
Coding change: c.2942C>T on transcript NM_001018115.3 (MANE Select); coding-DNA position 2942, C replaced by T.
Protein change: p.Thr981Ile; replaces threonine 981 with isoleucine.
Molecular consequence: missense variant.
Genome position (GRCh38, 1-based): chr3:10,078,163, C>T. VCF-style: chr3-10078163-C-T. GRCh37 (hg19) VCF-style: chr3-10119847-C-T.
Other names: c.2942C>T, p.Thr981Ile (NM_001319984.2, NM_001374254.1, NM_033084.6); c.2831C>T, p.Thr944Ile (NM_001374253.1); short protein forms T981I, T944I.
Identifiers: ClinVar variation 456354 (VCV000456354.7), dbSNP rs1468736218, ClinGen allele CA351746305.